The following is an entry in ClinVar:

ClinVar aggregate classification (germline): Uncertain significance. Review status: criteria provided, multiple submitters, no conflicts (2 of 4 stars). 5 submissions from 5 submitters: Uncertain significance (5). Last evaluated 2026-01-29.

Conditions:
Hereditary cancer-predisposing syndrome. Also called: Hereditary neoplastic syndrome; Tumor predisposition; Hereditary Cancer Syndrome; Neoplastic Syndromes, Hereditary. Identifiers: Orphanet 140162, MedGen C0027672, MeSH D009386, MONDO:0015356.
Global developmental delay - lung cysts - overgrowth - Wilms tumor syndrome. Also called: GLOW Syndrome; GLOBAL DEVELOPMENTAL DELAY, LUNG CYSTS, OVERGROWTH, AND WILMS TUMOR. Identifiers: Orphanet 404476, MedGen C4748924, MONDO:0018445, OMIM 618272.
DICER1-related tumor predisposition. Also called: DICER1 syndrome; DICER1-related pleuropulmonary blastoma cancer predisposition syndrome. Identifiers: Orphanet 284343, MedGen C3839822, MONDO:0100216.

Allele frequency attached by ClinVar (database versions not stated): gnomAD exomes below 0.00001; ExAC 0.00001; gnomAD 0.00001; TOPMed 0.00001.

Submissions (5):

Labcorp Genetics (formerly Invitae), Labcorp
Classification: Uncertain significance for DICER1-related tumor predisposition. Last evaluated: 2026-01-29. Review status: criteria provided, single submitter. Criteria: Invitae Variant Classification Sherloc (09022015). Collection method: clinical testing. Allele origin: germline.
Comment: This sequence change replaces alanine, which is neutral and non-polar, with threonine, which is neutral and polar, at codon 357 of the DICER1 protein (p.Ala357Thr). This variant is present in population databases (rs760821185, gnomAD 0.0009%). This variant has not been reported in the literature in individuals affected with DICER1-related conditions. ClinVar contains an entry for this variant (Variation ID: 575561). Invitae Evidence Modeling of protein sequence and biophysical properties (such as structural, functional, and spatial information, amino acid conservation, physicochemical variation, residue mobility, and thermodynamic stability) indicates that this missense variant is not expected to disrupt DICER1 protein function with a negative predictive value of 95%. In summary, the available evidence is currently insufficient to determine the role of this variant in disease. Therefore, it has been classified as a Variant of Uncertain Significance.

Ambry Genetics
Classification: Uncertain significance for Hereditary cancer-predisposing syndrome. Last evaluated: 2025-04-12. Review status: criteria provided, single submitter. Criteria: Ambry Variant Classification Scheme 2023. Collection method: clinical testing. Allele origin: germline.
Comment: The p.A357T variant (also known as c.1069G>A), located in coding exon 7 of the DICER1 gene, results from a G to A substitution at nucleotide position 1069. The alanine at codon 357 is replaced by threonine, an amino acid with similar properties. This amino acid position is highly conserved in available vertebrate species. In addition, the in silico prediction for this alteration is inconclusive. Since supporting evidence is limited at this time, the clinical significance of this alteration remains unclear.

ARUP Laboratories, Molecular Genetics and Genomics, ARUP Laboratories
Classification: Uncertain significance. Last evaluated: 2024-04-20. Review status: criteria provided, single submitter. Criteria: ARUP Molecular Germline Variant Investigation Process 2024. Collection method: clinical testing. Allele origin: germline.
Comment: The DICER1 c.1069G>A; p.Ala357Thr variant (rs760821185; ClinVar Variation ID: 575561) is reported in the literature in individuals affected with embryonal rhabdomyosarcoma and DICER1 syndrome (Bailey 2019, Spinelli 2023). This variant is only observed on one allele in the Genome Aggregation Database (v2.1.1), indicating it is not a common polymorphism. Computational analyses are uncertain whether this variant is neutral or deleterious (REVEL: 0.182). Due to limited information, the clinical significance of this variant is uncertain at this time. References: Bailey KM et al. DICER1 Mutations in the Era of Expanding Integrative Clinical Sequencing in Pediatric Oncology. JCO Precis Oncol. 2019;3:PO.18.00172. PMID: 32832834. Spinelli C et al. DICER1 Syndrome: A Multicenter Surgical Experience and Systematic Review. Cancers (Basel). 2023 Jul 19;15(14):3681. PMID: 37509342.

Baylor Genetics
Classification: Uncertain significance for Global developmental delay - lung cysts - overgrowth - Wilms tumor syndrome. Last evaluated: 2023-08-08. Review status: criteria provided, single submitter. Criteria: ACMG Guidelines, 2015. Collection method: clinical testing. Allele origin: unknown.

GeneDx
Classification: Uncertain significance. Last evaluated: 2023-06-14. Review status: criteria provided, single submitter. Criteria: GeneDx Variant Classification Process June 2021. Collection method: clinical testing. Allele origin: germline. Affected: yes.
Comment: Not observed at significant frequency in large population cohorts (gnomAD); In silico analysis supports that this missense variant does not alter protein structure/function; This variant is associated with the following publications: (PMID: 29643973, 32832834)

Literature cited by the submitters: PubMed 32832834 (cited by Ambry Genetics).

NM_177438.3(DICER1):c.1069G>A (p.Ala357Thr)

Gene: DICER1 (dicer 1, ribonuclease III; minus strand). Cytogenetic location: 14q32.13.
Variant type: single nucleotide variant.
Coding change: c.1069G>A on transcript NM_177438.3 (MANE Select); coding-DNA position 1069, G replaced by A.
Protein change: p.Ala357Thr; replaces alanine 357 with threonine.
Molecular consequence: missense variant.
Genome position (GRCh38, 1-based): chr14:95,124,503, C>T on the plus strand (G>A on the coding strand, the complement: DICER1 is on the minus strand). VCF-style: chr14-95124503-C-T. GRCh37 (hg19) VCF-style: chr14-95590840-C-T.
Other names: c.1069G>A, p.Ala357Thr (NM_001195573.1, NM_001271282.3, NM_001291628.2 and 1 more transcripts); short protein forms A357T.
Identifiers: ClinVar variation 575561 (VCV000575561.22), dbSNP rs760821185, ClinGen allele CA7331532.